The following is an entry in ClinVar:

NM_024675.4(PALB2):c.2591C>T (p.Pro864Leu)

Gene: PALB2 (partner and localizer of BRCA2; minus strand). Cytogenetic location: 16p12.2.
Variant type: single nucleotide variant.
Coding change: c.2591C>T on transcript NM_024675.4 (MANE Select); coding-DNA position 2591, C replaced by T.
Protein change: p.Pro864Leu; replaces proline 864 with leucine.
Molecular consequence: missense variant. On other transcripts: intron variant (3).
Genome position (GRCh38, 1-based): chr16:23,626,393, G>A on the plus strand (C>T on the coding strand, the complement: PALB2 is on the minus strand). VCF-style: chr16-23626393-G-A. GRCh37 (hg19) VCF-style: chr16-23637714-G-A.
Other names: c.2531C>T, p.Pro844Leu (NM_001407296.1); c.2519C>T, p.Pro840Leu (NM_001407297.1); c.2591C>T, p.Pro864Leu (NM_001407299.1, NM_001407300.1, NM_001407301.1); c.1706C>T, p.Pro569Leu (NM_001407304.1, NM_001407305.1, NM_001407306.1 and 4 more transcripts); c.803C>T, p.Pro268Leu (NM_001407312.1, NM_001407313.1); c.125C>T, p.Pro42Leu (NM_001407314.1); c.2587-2299C>T (NM_001407302.1, NM_001407298.1); c.1702-2299C>T (NM_001407307.1); short protein forms P268L, P844L, P569L, P864L, P42L, P840L.
Identifiers: ClinVar variation 2453295 (VCV002453295.4), dbSNP rs2142356686, ClinGen allele CA395122268.

ClinVar aggregate classification (germline): Uncertain significance. Review status: criteria provided, multiple submitters, no conflicts (2 of 4 stars). 2 submissions from 2 submitters: Uncertain significance (2). Last evaluated 2024-05-01.

Conditions:
Familial cancer of breast. Also called: BREAST CANCER, FAMILIAL; Hereditary breast cancer; hereditary breast carcinoma. Identifiers: Orphanet 227535, MedGen C0346153, MONDO:0016419, OMIM 114480. Disease mechanism: loss of function.
Hereditary cancer-predisposing syndrome. Also called: Neoplastic Syndromes, Hereditary; Tumor predisposition; Hereditary neoplastic syndrome; Hereditary Cancer Syndrome. Identifiers: Orphanet 140162, MedGen C0027672, MeSH D009386, MONDO:0015356.

Submissions (2):

Labcorp Genetics (formerly Invitae), Labcorp
Classification: Uncertain significance for Familial cancer of breast. Last evaluated: 2024-05-01. Review status: criteria provided, single submitter. Criteria: Invitae Variant Classification Sherloc (09022015). Collection method: clinical testing. Allele origin: germline.
Comment: This sequence change replaces proline, which is neutral and non-polar, with leucine, which is neutral and non-polar, at codon 864 of the PALB2 protein (p.Pro864Leu). This variant is not present in population databases (gnomAD no frequency). This variant has not been reported in the literature in individuals affected with PALB2-related conditions. ClinVar contains an entry for this variant (Variation ID: 2453295). Advanced modeling of protein sequence and biophysical properties (such as structural, functional, and spatial information, amino acid conservation, physicochemical variation, residue mobility, and thermodynamic stability) performed at Invitae indicates that this missense variant is not expected to disrupt PALB2 protein function with a negative predictive value of 80%. In summary, the available evidence is currently insufficient to determine the role of this variant in disease. Therefore, it has been classified as a Variant of Uncertain Significance.

Ambry Genetics
Classification: Uncertain significance for Hereditary cancer-predisposing syndrome. Last evaluated: 2022-12-18. Review status: criteria provided, single submitter. Criteria: Ambry Variant Classification Scheme 2023. Collection method: clinical testing. Allele origin: germline.
Comment: The p.P864L variant (also known as c.2591C>T), located in coding exon 7 of the PALB2 gene, results from a C to T substitution at nucleotide position 2591. The proline at codon 864 is replaced by leucine, an amino acid with similar properties. This amino acid position is conserved. In addition, this alteration is predicted to be tolerated by in silico analysis. Since supporting evidence is limited at this time, the clinical significance of this alteration remains unclear.